The following is an entry in ClinVar:

ClinVar aggregate classification (germline): Uncertain significance. Review status: criteria provided, multiple submitters, no conflicts (2 of 4 stars). 6 submissions from 6 submitters: Uncertain significance (6). Last evaluated 2026-03-26.

Conditions:
SLC27A5-related disorder. Also called: SLC27A5-related condition.

Allele frequency attached by ClinVar (database versions not stated): TOPMed 0.00004.
gnomAD v4.1: 29 of 1,612,760 alleles (0.0018%); highest among the groups gnomAD compares: Middle Eastern, 0.066%; 2 homozygotes.

Submissions (6):

PreventionGenetics, part of Exact Sciences
Classification: Uncertain significance for SLC27A5-related condition. Last evaluated: 2026-03-26. Review status: criteria provided, single submitter. Criteria: ACMG Guidelines, 2015. Collection method: clinical testing. Allele origin: germline.
Comment: The SLC27A5 c.1535G>T variant is predicted to result in the amino acid substitution p.Arg512Leu. To our knowledge, this variant has not been reported in the literature. This variant is reported in 0.0033% of alleles in individuals of South Asian descent in gnomAD. At this time, the clinical significance of this variant is uncertain due to the absence of conclusive functional and genetic evidence.

Labcorp Genetics (formerly Invitae), Labcorp
Classification: Uncertain significance. Last evaluated: 2026-01-24. Review status: criteria provided, single submitter. Criteria: Invitae Variant Classification Sherloc (09022015). Collection method: clinical testing. Allele origin: germline.
Comment: This sequence change replaces arginine, which is basic and polar, with leucine, which is neutral and non-polar, at codon 512 of the SLC27A5 protein (p.Arg512Leu). This variant is present in population databases (rs775344859, gnomAD 0.003%). This variant has not been reported in the literature in individuals affected with SLC27A5-related conditions. ClinVar contains an entry for this variant (Variation ID: 288099). An algorithm developed to predict the effect of missense changes on protein structure and function (PolyPhen-2) suggests that this variant is likely to be tolerated. In summary, the available evidence is currently insufficient to determine the role of this variant in disease. Therefore, it has been classified as a Variant of Uncertain Significance.

Ambry Genetics
Classification: Uncertain significance. Last evaluated: 2024-11-13. Review status: criteria provided, single submitter. Criteria: Ambry Variant Classification Scheme 2023. Collection method: clinical testing. Allele origin: germline.

Mayo Clinic Laboratories, Mayo Clinic
Classification: Uncertain significance. Last evaluated: 2021-09-07. Review status: criteria provided, single submitter. Criteria: ACMG Guidelines, 2015. Collection method: clinical testing. Allele origin: germline.

Eurofins Ntd Llc (ga)
Classification: Uncertain significance. Last evaluated: 2016-05-13. Review status: criteria provided, single submitter. Criteria: EGL Classification Definitions 2015. Collection method: clinical testing. Allele origin: germline. Observed: 2 variant alleles, 2 heterozygotes.

Breakthrough Genomics
Classification: Uncertain significance. Review status: criteria provided, single submitter. Criteria: ACMG Guidelines, 2015. Collection method: not provided. Allele origin: germline. Inheritance: Autosomal dominant inheritance. Affected: yes.

NM_012254.3(SLC27A5):c.1535G>T (p.Arg512Leu)

Gene: SLC27A5 (solute carrier family 27 member 5; minus strand). Cytogenetic location: 19q13.43.
Variant type: single nucleotide variant.
Coding change: c.1535G>T on transcript NM_012254.3 (MANE Select); coding-DNA position 1535, G replaced by T.
Protein change: p.Arg512Leu; replaces arginine 512 with leucine.
Molecular consequence: missense variant.
Genome position (GRCh38, 1-based): chr19:58,499,624, C>A on the plus strand (G>T on the coding strand, the complement: SLC27A5 is on the minus strand). VCF-style: chr19-58499624-C-A. GRCh37 (hg19) VCF-style: chr19-59010991-C-A.
Other names: p.Arg512Leu; c.1283G>T, p.Arg428Leu (NM_001321196.2); c.1535G>T (NM_012254.2); short protein forms R512L, R428L.
Identifiers: ClinVar variation 288099 (VCV000288099.15), dbSNP rs775344859, ClinGen allele CA9717923.
Genomic context (GRCh38, chr19:58,499,624, plus strand): 5'-TTGTAGTAAACGTCGCCCGATTGCCGCACGTTGCGCACCAGCTTCCGTTCCGACAGCTCT[C>A]GGGGGCCGCGGTAGCCCACGAAGGGTTGCTGGCTTACCACCTTGGTCAGCAGCAGCCCCG-3'
Protein context (NP_036386.1, residues 502-522): QQPFVGYRGP[Arg512Leu]ELSERKLVRN